The following is an entry in ClinVar:

ClinVar aggregate classification (germline): Uncertain significance. Review status: criteria provided, multiple submitters, no conflicts (2 of 4 stars). 2 submissions from 2 submitters: Uncertain significance (2). Last evaluated 2025-01-21.

Conditions:
Hereditary cancer-predisposing syndrome. Also called: Neoplastic Syndromes, Hereditary; Tumor predisposition; Hereditary Cancer Syndrome; Hereditary neoplastic syndrome. Identifiers: Orphanet 140162, MedGen C0027672, MeSH D009386, MONDO:0015356.
Pheochromocytoma. Also called: MAX-Related Hereditary Paraganglioma-Pheochromocytoma Syndrome. Identifiers: Orphanet 29072, MedGen C0031511, MONDO:0008233, OMIM 171300, HP:0002666.
Pheochromocytoma/paraganglioma syndrome 4. Also called: CAROTID BODY TUMORS AND MULTIPLE EXTRAADRENAL PHEOCHROMOCYTOMAS; PARAGANGLIOMA, FAMILIAL MALIGNANT; PARAGANGLIOMAS, HEREDITARY EXTRAADRENAL; PHEOCHROMOCYTOMA, FAMILIAL EXTRAADRENAL; Paragangliomas 4; SDHB-Related Hereditary Paraganglioma-Pheochromocytoma Syndrome (Paragangliomas 4). Identifiers: Orphanet 29072, MedGen C1861848, MONDO:0007273, OMIM 115310.
Gastrointestinal stromal tumor. Also called: Gastrointestinal stromal tumor, somatic; Gastrointestinal stroma tumor. Identifiers: Orphanet 44890, MedGen C0238198, MeSH D046152, MONDO:0011719, OMIM 606764, HP:0100723.

Submissions (2):

Ambry Genetics
Classification: Uncertain significance for Hereditary cancer-predisposing syndrome. Last evaluated: 2025-01-21. Review status: criteria provided, single submitter. Criteria: Ambry Variant Classification Scheme 2023. Collection method: clinical testing. Allele origin: germline.
Comment: The p.L234V variant (also known as c.700C>G), located in coding exon 7 of the SDHB gene, results from a C to G substitution at nucleotide position 700. The leucine at codon 234 is replaced by valine, an amino acid with highly similar properties. This amino acid position is highly conserved in available vertebrate species. In addition, this alteration is predicted to be deleterious by in silico analysis. Based on the available evidence, the clinical significance of this variant remains unclear.

Labcorp Genetics (formerly Invitae), Labcorp
Classification: Uncertain significance for Gastrointestinal stromal tumor; Pheochromocytoma/paraganglioma syndrome 4; Pheochromocytoma. Last evaluated: 2022-05-29. Review status: criteria provided, single submitter. Criteria: Invitae Variant Classification Sherloc (09022015). Collection method: clinical testing. Allele origin: germline.
Comment: This variant has not been reported in the literature in individuals affected with SDHB-related conditions. In summary, the available evidence is currently insufficient to determine the role of this variant in disease. Therefore, it has been classified as a Variant of Uncertain Significance. Advanced modeling of protein sequence and biophysical properties (such as structural, functional, and spatial information, amino acid conservation, physicochemical variation, residue mobility, and thermodynamic stability) performed at Invitae indicates that this missense variant is expected to disrupt SDHB protein function. This variant is not present in population databases (gnomAD no frequency). This sequence change replaces leucine, which is neutral and non-polar, with valine, which is neutral and non-polar, at codon 234 of the SDHB protein (p.Leu234Val).

NM_003000.3(SDHB):c.700C>G (p.Leu234Val)

Gene: SDHB (succinate dehydrogenase complex iron sulfur subunit B; minus strand). Cytogenetic location: 1p36.13.
Variant type: single nucleotide variant.
Coding change: c.700C>G on transcript NM_003000.3 (MANE Select); coding-DNA position 700, C replaced by G.
Protein change: p.Leu234Val; replaces leucine 234 with valine.
Molecular consequence: missense variant.
Genome position (GRCh38, 1-based): chr1:17,022,673, G>C on the plus strand (C>G on the coding strand, the complement: SDHB is on the minus strand). VCF-style: chr1-17022673-G-C. GRCh37 (hg19) VCF-style: chr1-17349168-G-C.
Other names: c.646C>G, p.Leu216Val (NM_001407361.1); short protein forms L234V, L216V.
Identifiers: ClinVar variation 1756664 (VCV001756664.8), dbSNP rs201728852, ClinGen allele CA338270308.